The following is an entry in ClinVar:

ClinVar aggregate classification (germline): Benign (1 of 4 stars; one submission).

Conditions:
Familial cancer of breast. Also called: hereditary breast carcinoma; Hereditary breast cancer; BREAST CANCER, FAMILIAL. Identifiers: Orphanet 227535, MedGen C0346153, MONDO:0016419, OMIM 114480. Disease mechanism: loss of function.

Submission:

Myriad Genetics, Inc.
Classification: Benign for Familial cancer of breast. Last evaluated: 2024-09-05. Review status: criteria provided, single submitter. Criteria: Myriad Autosomal Dominant, Autosomal Recessive and X-Linked Classification Criteria (2023). Collection method: clinical testing. Allele origin: unknown.
Comment: This variant is considered benign. This variant is a silent/synonymous amino acid change and it is not expected to impact splicing.

NM_032043.3(BRIP1):c.2637_2640delinsGTCT (p.Glu879_Ser880=)

Gene: BRIP1 (BRCA1 interacting DNA helicase 1; minus strand). Cytogenetic location: 17q23.2.
Variant type: Indel.
Coding change: c.2637_2640delinsGTCT on transcript NM_032043.3 (MANE Select); coding-DNA positions 2637 to 2640, ATCC replaced by GTCT.
Protein change: p.Glu879_Ser880=.
Molecular consequence: synonymous variant.
Genome position (GRCh38, 1-based): chr17:61,686,101-61,686,104, GGAT replaced by AGAC on the plus strand (ATCC replaced by GTCT on the coding strand, the reverse complement: BRIP1 is on the minus strand). VCF-style: chr17-61686101-GGAT-AGAC. GRCh37 (hg19) VCF-style: chr17-59763462-GGAT-AGAC.
Identifiers: ClinVar variation 3378821 (VCV003378821.1).